The following is an entry in ClinVar:

NM_004984.4(KIF5A):c.1906-15A>G

Gene: KIF5A (kinesin family member 5A; plus strand). Cytogenetic location: 12q13.3.
Variant type: single nucleotide variant.
Coding change: c.1906-15A>G on transcript NM_004984.4 (MANE Select); 15 bases into the intron before coding-DNA position 1906, A replaced by G.
Molecular consequence: intron variant.
Genome position (GRCh38, 1-based): chr12:57,575,625, A>G. VCF-style: chr12-57575625-A-G. GRCh37 (hg19) VCF-style: chr12-57969408-A-G.
Other names: c.1639-15A>G (NM_001354705.2).
Identifiers: ClinVar variation 3016530 (VCV003016530.3), dbSNP rs1882397220, ClinGen allele CA2038935982.

ClinVar aggregate classification (germline): Uncertain significance (1 of 4 stars; one submission).

Conditions:
Spastic paraplegia. Identifiers: MedGen C0037772, HP:0001258.

Allele frequency attached by ClinVar (database versions not stated): gnomAD exomes below 0.00001; gnomAD 0.00001.
gnomAD v4.1: 3 of 1,610,148 alleles (0.00019%); highest among the groups gnomAD compares: East Asian, 0.0045%; no homozygotes.

Submission:

Labcorp Genetics (formerly Invitae), Labcorp
Classification: Uncertain significance for Spastic paraplegia. Last evaluated: 2026-02-02. Review status: criteria provided, single submitter. Criteria: Invitae Variant Classification Sherloc (09022015). Collection method: clinical testing. Allele origin: germline.
Comment: This sequence change falls in intron 16 of the KIF5A gene. It does not directly change the encoded amino acid sequence of the KIF5A protein. This variant is not present in population databases (gnomAD no frequency). This variant has not been reported in the literature in individuals affected with KIF5A-related conditions. ClinVar contains an entry for this variant (Variation ID: 3016530). Algorithms developed to predict the effect of sequence changes on RNA splicing suggest that this variant may create or strengthen a splice site. In summary, the available evidence is currently insufficient to determine the role of this variant in disease. Therefore, it has been classified as a Variant of Uncertain Significance.